The following is an entry in ClinVar:

NM_002049.4(GATA1):c.153_154insGCAGCTGCAGCGGAGC (p.Thr52fs)

Gene: GATA1 (GATA binding protein 1; plus strand). Cytogenetic location: Xp11.23.
Variant type: Insertion.
Coding change: c.153_154insGCAGCTGCAGCGGAGC on transcript NM_002049.4 (MANE Select); coding-DNA positions 153 to 154, GCAGCTGCAGCGGAGC inserted.
Protein change: p.Thr52fs; shifts the reading frame from threonine 52.
Molecular consequence: frameshift variant.
Genome position: GRCh38 VCF-style: chrX-48791258-C-CGAGCGCAGCTGCAGCG. GRCh37 (hg19) VCF-style: chrX-48649665-C-CGAGCGCAGCTGCAGCG.
Other names: short protein forms T52fs.
Identifiers: ClinVar variation 3766551 (VCV003766551.1).
Genomic context (GRCh38, chrX:48,791,258, plus strand): 5'-CAGGGGTTTTCTTCCCCTCTGGGCCTGAGGGCTTGGATGCAGCAGCTTCCTCCACTGCCC[C>CGAGCGCAGCTGCAGCG]GAGCACAGCCACCGCTGCAGCTGCGGCACTGGCCTACTACAGGGACGCTGAGGCCTACAG-3'

ClinVar aggregate classification (germline): Likely pathogenic (1 of 4 stars; one submission).

Submission:

ARUP Laboratories, Molecular Genetics and Genomics, ARUP Laboratories
Classification: Likely pathogenic. Last evaluated: 2024-04-05. Review status: criteria provided, single submitter. Criteria: ARUP Molecular Germline Variant Investigation Process 2024. Collection method: clinical testing. Allele origin: germline.
Comment: The GATA1 c.153_154insGCAGCTGCAGCGGAGC; p.Thr52AlafsTer21 variant, to our knowledge, is not reported in the medical literature or gene specific databases. This variant is also absent from the Genome Aggregation Database, indicating it is not a common polymorphism. This variant causes a frameshift by inserting 16 nucleotides, so it is predicted to result in a truncated protein or mRNA subject to nonsense-mediated decay. Several similar truncating variants affecting codon Thr52 have been described in pediatric DS patients with TAM (Amorim 2009, Chukua 2019, Kanezaki 2010, Nikolaev 2013). Based on available information, this variant is considered to be likely pathogenic. References: Amorim MR et al. Detection of mutations in GATA1 gene using automated denaturing high-performance liquid chromatography and direct sequencing in children with Down syndrome. Leuk Lymphoma. 2009 May. PMID: 19452320. Chukua K et al. Two Novel GATA1 Mutations in Transient Abnormal Myelopoiesis of Thai Neonates with Down Syndrome. J Pediatr Genet. 2019 Dec. PMID: 31687255. Kanezaki R et al. Down syndrome and GATA1 mutations in transient abnormal myeloproliferative disorder: mutation classes correlate with progression to myeloid leukemia. Blood. 2010 Nov 25. PMID: 20729467. Nikolaev SI et al. Exome sequencing identifies putative drivers of progression of transient myeloproliferative disorder to AMKL in infants with Down syndrome. Blood. 2013 Jul 25. PMID: 23733339.